The following is an entry in ClinVar:

ClinVar aggregate classification (germline): Pathogenic (1 of 4 stars; one submission).

Conditions:
Charcot-Marie-Tooth disease axonal type 2P. Also called: CHARCOT-MARIE-TOOTH NEUROPATHY, TYPE 2P; Charcot-Marie-Tooth Neuropathy Type 2G; CHARCOT-MARIE-TOOTH DISEASE, AXONAL, TYPE 2G; CMT 2G. Identifiers: Orphanet 300319, Orphanet 99941, MedGen C3280797, MONDO:0013753, OMIM 614436.

gnomAD v4.1: 2 of 1,613,608 alleles (0.00012%); highest among the groups gnomAD compares: Non-Finnish European, 0.00017%; no homozygotes.

Submission:

Labcorp Genetics (formerly Invitae), Labcorp
Classification: Pathogenic for Charcot-Marie-Tooth disease axonal type 2P. Last evaluated: 2024-08-22. Review status: criteria provided, single submitter. Criteria: Invitae Variant Classification Sherloc (09022015). Collection method: clinical testing. Allele origin: germline.
Comment: This sequence change creates a premature translational stop signal (p.Gln56*) in the LRSAM1 gene. It is expected to result in an absent or disrupted protein product. Loss-of-function variants in LRSAM1 are known to be pathogenic (PMID: 20865121, 33414056). This variant is not present in population databases (gnomAD no frequency). This variant has not been reported in the literature in individuals affected with LRSAM1-related conditions. For these reasons, this variant has been classified as Pathogenic.

Literature cited by the submitters: PubMed 20865121; PubMed 33414056.

NM_001005373.4(LRSAM1):c.166C>T (p.Gln56Ter)

Gene: LRSAM1 (leucine rich repeat and sterile alpha motif containing 1; plus strand). Cytogenetic location: 9q33.3.
Variant type: single nucleotide variant.
Coding change: c.166C>T on transcript NM_001005373.4 (MANE Select); coding-DNA position 166, C replaced by T.
Protein change: p.Gln56Ter; replaces glutamine 56 with a stop codon.
Molecular consequence: nonsense. On other transcripts: 5 prime UTR variant (1), non-coding transcript variant (2).
Genome position (GRCh38, 1-based): chr9:127,455,612, C>T. VCF-style: chr9-127455612-C-T. GRCh37 (hg19) VCF-style: chr9-130217891-C-T.
Other names: c.166C>T, p.Gln56Ter (NM_001005374.4, NM_001190723.3, NM_001384142.1 and 2 more transcripts); c.-619C>T (NM_001384144.1); short protein forms Q56*.
Identifiers: ClinVar variation 3699419 (VCV003699419.2).